The following is an entry in ClinVar:

ClinVar aggregate classification (germline): Uncertain significance (1 of 4 stars; one submission).

Conditions:
Joubert syndrome 21 (JBTS21). Identifiers: MedGen C3810212, MONDO:0014288, OMIM 615636.

Allele frequency attached by ClinVar (database versions not stated): gnomAD 0.00001; TOPMed below 0.00001.
gnomAD v4.1: 1 of 1,612,902 alleles (0.000062%); highest among the groups gnomAD compares: Non-Finnish European, 0.000085%; no homozygotes.

Submission:

Labcorp Genetics (formerly Invitae), Labcorp
Classification: Uncertain significance for Joubert syndrome 21. Last evaluated: 2022-05-21. Review status: criteria provided, single submitter. Criteria: Invitae Variant Classification Sherloc (09022015). Collection method: clinical testing. Allele origin: germline.
Comment: This sequence change replaces aspartic acid, which is acidic and polar, with glutamic acid, which is acidic and polar, at codon 1128 of the CSPP1 protein (p.Asp1128Glu). In summary, the available evidence is currently insufficient to determine the role of this variant in disease. Therefore, it has been classified as a Variant of Uncertain Significance. Algorithms developed to predict the effect of missense changes on protein structure and function output the following: SIFT: "Tolerated"; PolyPhen-2: "Benign"; Align-GVGD: "Class C0". The glutamic acid amino acid residue is found in multiple mammalian species, which suggests that this missense change does not adversely affect protein function. This variant has not been reported in the literature in individuals affected with CSPP1-related conditions. This variant is not present in population databases (gnomAD no frequency).

NM_001382391.1(CSPP1):c.3399T>A (p.Asp1133Glu)

Genes: ARFGEF1 (ARF guanine nucleotide exchange factor 1; minus strand), CSPP1 (centrosome and spindle pole associated protein 1; plus strand). Cytogenetic location: 8q13.2.
Variant type: single nucleotide variant.
Coding change: c.3399T>A on transcript NM_001382391.1 (MANE Select); coding-DNA position 3399, T replaced by A.
Protein change: p.Asp1133Glu; replaces aspartic acid 1133 with glutamic acid.
Molecular consequence: missense variant. On other transcripts: intron variant (3).
Genome position (GRCh38, 1-based): chr8:67,193,532, T>A. VCF-style: chr8-67193532-T-A. GRCh37 (hg19) VCF-style: chr8-68105767-T-A.
Other names: c.2349T>A, p.Asp783Glu (NM_001291339.2); c.3318T>A, p.Asp1106Glu (NM_001363131.2); c.3204T>A, p.Asp1068Glu (NM_001363132.2); c.3123T>A, p.Asp1041Glu (NM_001363133.2); c.3465T>A, p.Asp1155Glu (NM_001364869.1); c.3285T>A, p.Asp1095Glu (NM_001364870.1); c.3231T>A, p.Asp1077Glu (NM_001438330.1); c.2700T>A, p.Asp900Glu (NM_001438332.1); and 4 more; short protein forms D1095E, D1128E, D1041E, D1155E, D1068E, D1106E, D1133E, D783E.
Identifiers: ClinVar variation 2088819 (VCV002088819.4), dbSNP rs1319124419, ClinGen allele CA371203061.